The following is an entry in ClinVar:

NM_001127208.3(TET2):c.3100C>T (p.Gln1034Ter)

Genes: TET2 (tet methylcytosine dioxygenase 2; plus strand), TET2-AS1 (TET2 antisense RNA 1; minus strand). Cytogenetic location: 4q24.
Variant type: single nucleotide variant.
Coding change: c.3100C>T on transcript NM_001127208.3 (MANE Select); coding-DNA position 3100, C replaced by T.
Protein change: p.Gln1034Ter; replaces glutamine 1034 with a stop codon.
Molecular consequence: nonsense.
Genome position (GRCh38, 1-based): chr4:105,237,042, C>T. VCF-style: chr4-105237042-C-T. GRCh37 (hg19) VCF-style: chr4-106158199-C-T.
Other names: c.3100C>T, p.Gln1034Ter (NM_017628.4); short protein forms Q1034*.
Identifiers: ClinVar variation 4085333 (VCV004085333.8).

ClinVar aggregate classification (germline): Likely pathogenic (1 of 4 stars; one submission).

gnomAD v4.1: 2 of 1,614,150 alleles (0.00012%); highest among the groups gnomAD compares: Non-Finnish European, 0.000085%; no homozygotes.

Submission:

CeGaT Center for Human Genetics Tuebingen
Classification: Likely pathogenic. Last evaluated: 2025-07-01. Review status: criteria provided, single submitter. Criteria: CeGaT Center For Human Genetics Tuebingen Variant Classification Criteria Version 2. Collection method: clinical testing. Allele origin: germline. Affected: yes. Observed: 1 variant allele.
Comment: TET2: PVS1:Strong, PM2